The following is an entry in ClinVar:

ClinVar aggregate classification (germline): Uncertain significance (1 of 4 stars; one submission).

Submission:

Ambry Genetics
Classification: Uncertain significance. Last evaluated: 2024-06-13. Review status: criteria provided, single submitter. Criteria: Ambry Variant Classification Scheme 2023. Collection method: clinical testing. Allele origin: germline.
Comment: The p.E669K variant (also known as c.2005G>A), located in coding exon 17 of the RAD54L gene, results from a G to A substitution at nucleotide position 2005. The glutamic acid at codon 669 is replaced by lysine, an amino acid with similar properties. This amino acid position is conserved. In addition, the in silico prediction for this alteration is inconclusive. Based on the available evidence, the clinical significance of this variant remains unclear.

NM_003579.4(RAD54L):c.2005G>A (p.Glu669Lys)

Genes: LRRC41 (leucine rich repeat containing 41; minus strand), RAD54L (RAD54 like; plus strand). Cytogenetic location: 1p34.1.
Variant type: single nucleotide variant.
Coding change: c.2005G>A on transcript NM_003579.4 (MANE Select); coding-DNA position 2005, G replaced by A.
Protein change: p.Glu669Lys; replaces glutamic acid 669 with lysine.
Molecular consequence: missense variant. On other transcripts: 3 prime UTR variant (1).
Genome position (GRCh38, 1-based): chr1:46,277,952, G>A. VCF-style: chr1-46277952-G-A. GRCh37 (hg19) VCF-style: chr1-46743624-G-A.
Other names: c.*913C>T (NM_006369.5); c.2005G>A, p.Glu669Lys (NM_001142548.2); c.1465G>A, p.Glu489Lys (NM_001370766.1); short protein forms E489K, E669K.
Identifiers: ClinVar variation 3312496 (VCV003312496.1).